The following is an entry in ClinVar:

NM_012268.4(PLD3):c.343G>A (p.Gly115Ser)

Gene: PLD3 (phospholipase D family member 3; plus strand). Cytogenetic location: 19q13.2.
Variant type: single nucleotide variant.
Coding change: c.343G>A on transcript NM_012268.4 (MANE Select); coding-DNA position 343, G replaced by A.
Protein change: p.Gly115Ser; replaces glycine 115 with serine.
Molecular consequence: missense variant.
Genome position (GRCh38, 1-based): chr19:40,367,793, G>A. VCF-style: chr19-40367793-G-A. GRCh37 (hg19) VCF-style: chr19-40873700-G-A.
Other names: c.343G>A, p.Gly115Ser (NM_001031696.4, NM_001291311.2); short protein forms G115S.
Identifiers: ClinVar variation 3307427 (VCV003307427.3).

ClinVar aggregate classification (germline): Uncertain significance. Review status: criteria provided, multiple submitters, no conflicts (2 of 4 stars). 2 submissions from 2 submitters: Uncertain significance (2). Last evaluated 2024-04-23.

gnomAD v4.1: 28 of 1,610,864 alleles (0.0017%); highest among the groups gnomAD compares: Admixed American, 0.005%; no homozygotes.

Submissions (2):

Ambry Genetics
Classification: Uncertain significance. Last evaluated: 2024-04-23. Review status: criteria provided, single submitter. Criteria: Ambry Variant Classification Scheme 2023. Collection method: clinical testing. Allele origin: germline.

Labcorp Genetics (formerly Invitae), Labcorp
Classification: Uncertain significance. Last evaluated: 2024-03-05. Review status: criteria provided, single submitter. Criteria: Invitae Variant Classification Sherloc (09022015). Collection method: clinical testing. Allele origin: germline.
Comment: This sequence change replaces glycine, which is neutral and non-polar, with serine, which is neutral and polar, at codon 115 of the PLD3 protein (p.Gly115Ser). This variant is present in population databases (rs769925913, gnomAD 0.009%). This variant has not been reported in the literature in individuals affected with PLD3-related conditions. Algorithms developed to predict the effect of missense changes on protein structure and function output the following: SIFT: "Not Available"; PolyPhen-2: "Benign"; Align-GVGD: "Not Available". The serine amino acid residue is found in multiple mammalian species, which suggests that this missense change does not adversely affect protein function. In summary, the available evidence is currently insufficient to determine the role of this variant in disease. Therefore, it has been classified as a Variant of Uncertain Significance.